The following is an entry in ClinVar:

ClinVar aggregate classification (germline): Uncertain significance. Review status: criteria provided, multiple submitters, no conflicts (2 of 4 stars). 4 submissions from 4 submitters: Uncertain significance (4). Last evaluated 2023-05-16.

Conditions:
Classic or attenuated familial adenomatous polyposis. Identifiers: MedGen CN372698, MONDO:0021057.
Familial adenomatous polyposis 1 (FAP1). Also called: FAMILIAL ADENOMATOUS POLYPOSIS 1, ATTENUATED; POLYPOSIS, ADENOMATOUS INTESTINAL. Identifiers: MedGen C2713442, MONDO:0021056, OMIM 175100. Disease mechanism: loss of function.
Hereditary cancer-predisposing syndrome. Also called: Hereditary Cancer Syndrome; Hereditary neoplastic syndrome; Tumor predisposition; Neoplastic Syndromes, Hereditary. Identifiers: Orphanet 140162, MedGen C0027672, MeSH D009386, MONDO:0015356.

gnomAD v4.1: 1 of 1,613,528 alleles (0.000062%); highest among the groups gnomAD compares: Non-Finnish European, 0.000085%; no homozygotes.

Submissions (4):

All of Us Research Program, National Institutes of Health
Classification: Uncertain significance for Classic or attenuated familial adenomatous polyposis. Last evaluated: 2023-05-16. Review status: criteria provided, single submitter. Criteria: ACMG Guidelines, 2015. Collection method: clinical testing. Allele origin: germline. Inheritance: Autosomal dominant inheritance. Observed: 1 variant allele, 1 heterozygote.
Comment: This missense variant replaces aspartic acid with tyrosine at codon 2087 of the APC protein. Computational prediction suggests that this variant may not impact protein structure and function (internally defined REVEL score threshold <= 0.5, PMID: 27666373). To our knowledge, functional studies have not been reported for this variant. This variant has not been reported in individuals affected with APC-related disorders in the literature. This variant has not been identified in the general population by the Genome Aggregation Database (gnomAD). The available evidence is insufficient to determine the role of this variant in disease conclusively. Therefore, this variant is classified as a Variant of Uncertain Significance.

This study involves interpretation of variants in research participants for the purpose of population health screening. Participant phenotype was not available at the time of variant classification. Additional details can be found in publication PMID: 35346344, PMCID: PMC8962531

Labcorp Genetics (formerly Invitae), Labcorp
Classification: Uncertain significance for Familial adenomatous polyposis 1. Last evaluated: 2022-10-18. Review status: criteria provided, single submitter. Criteria: Invitae Variant Classification Sherloc (09022015). Collection method: clinical testing. Allele origin: germline.
Comment: In summary, the available evidence is currently insufficient to determine the role of this variant in disease. Therefore, it has been classified as a Variant of Uncertain Significance. Advanced modeling of protein sequence and biophysical properties (such as structural, functional, and spatial information, amino acid conservation, physicochemical variation, residue mobility, and thermodynamic stability) performed at Invitae indicates that this missense variant is not expected to disrupt APC protein function. This sequence change replaces aspartic acid, which is acidic and polar, with tyrosine, which is neutral and polar, at codon 2087 of the APC protein (p.Asp2087Tyr). This variant is not present in population databases (gnomAD no frequency). This variant has not been reported in the literature in individuals affected with APC-related conditions. ClinVar contains an entry for this variant (Variation ID: 840907).

Sema4
Classification: Uncertain significance for Hereditary cancer-predisposing syndrome. Last evaluated: 2021-12-18. Review status: criteria provided, single submitter. Criteria: Sema4 Curation Guidelines. Collection method: curation. Allele origin: germline.
Comment: The APC c.6259G>T (p.D2087Y) variant has not been reported in the literature to our knowledge. It was not observed in the large and broad cohorts of the Genome Aggregation Database (PMID: 32461654). This variant has been reported in ClinVar (Variation ID: 840907). Functional studies have not been performed, and in silico predictions of the variant's effect on protein function are inconclusive. The evidence is insufficient to meet ACMG/AMP criteria for classifying the variant as benign or pathogenic. Thus, the clinical significance of this variant is currently uncertain.

GeneDx
Classification: Uncertain significance. Last evaluated: 2020-02-11. Review status: criteria provided, single submitter. Criteria: GeneDx Variant Classification Process June 2021. Collection method: clinical testing. Allele origin: germline. Affected: yes.
Comment: Not observed in large population cohorts (Lek 2016); In silico analysis supports that this missense variant does not alter protein structure/function; Has not been previously published as pathogenic or benign to our knowledge

NM_000038.6(APC):c.6259G>T (p.Asp2087Tyr)

Gene: APC (APC regulator of Wnt signaling pathway; plus strand). Cytogenetic location: 5q22.2.
Variant type: single nucleotide variant.
Coding change: c.6259G>T on transcript NM_000038.6 (MANE Select); coding-DNA position 6259, G replaced by T.
Protein change: p.Asp2087Tyr; replaces aspartic acid 2087 with tyrosine.
Molecular consequence: missense variant.
Genome position (GRCh38, 1-based): chr5:112,841,853, G>T. VCF-style: chr5-112841853-G-T. GRCh37 (hg19) VCF-style: chr5-112177550-G-T.
Other names: c.6259G>T, p.Asp2087Tyr (NM_001127510.3, NM_001354895.2); c.6205G>T, p.Asp2069Tyr (NM_001127511.3); c.6313G>T, p.Asp2105Tyr (NM_001354896.2); c.6289G>T, p.Asp2097Tyr (NM_001354897.2); c.6184G>T, p.Asp2062Tyr (NM_001354898.2); c.6175G>T, p.Asp2059Tyr (NM_001354899.2); c.6136G>T, p.Asp2046Tyr (NM_001354900.2); c.6082G>T, p.Asp2028Tyr (NM_001354901.2); and 5 more; short protein forms D2028Y, D2059Y, D2087Y, D2097Y, D2046Y, D2062Y, D1804Y, D1927Y.
Identifiers: ClinVar variation 840907 (VCV000840907.14), dbSNP rs1766174382, ClinGen allele CA16035036.